The following is an entry in ClinVar:

NM_005188.4(CBL):c.2435-1_2435del

Gene: CBL (Cbl proto-oncogene; plus strand). Cytogenetic location: 11q23.3.
Variant type: Deletion.
Coding change: c.2435-1_2435del on transcript NM_005188.4 (MANE Select); the canonical splice acceptor site of the intron before coding-DNA position 2435 through coding-DNA position 2435, 2 bases deleted (GA; older notation c.2435-1_2435delGA).
Molecular consequence: splice acceptor variant.
Genome position (GRCh38, 1-based): chr11:119,299,494-119,299,495, GA deleted; deleting any 2 consecutive bases within chr11:119,299,493-119,299,495 gives the same sequence; the c. name uses the placement nearest the transcript's 3' end. VCF-style (leftmost placement, unchanged base first): chr11-119299492-TAG-T. GRCh37 (hg19) VCF-style: chr11-119170202-TAG-T.
Identifiers: ClinVar variation 1494351 (VCV001494351.7), dbSNP rs749424087, ClinGen allele CA6318790.

ClinVar aggregate classification (germline): Uncertain significance. Review status: criteria provided, multiple submitters, no conflicts (2 of 4 stars). 2 submissions from 2 submitters: Uncertain significance (2). Last evaluated 2025-10-26.

Conditions:
CBL-related disorder. Also called: NOONAN SYNDROME-LIKE DISORDER WITHOUT JUVENILE MYELOMONOCYTIC LEUKEMIA; CBL MUTATION-ASSOCIATED SYNDROME; CBL SYNDROME. Identifiers: Orphanet 363972, MedGen C3150803, MONDO:0013308, OMIM 613563.
Juvenile myelomonocytic leukemia (JMML). Also called: LEUKEMIA, JUVENILE MYELOMONOCYTIC, SOMATIC. Identifiers: Orphanet 86834, MedGen C0349639, MONDO:0011908, OMIM 607785, HP:0012209.
RASopathy. Also called: rasopathies; Noonan spectrum disorder. Identifiers: Orphanet 536391, MedGen C5555857, MONDO:0021060.

Submissions (2):

Labcorp Genetics (formerly Invitae), Labcorp
Classification: Uncertain significance for RASopathy. Last evaluated: 2025-10-26. Review status: criteria provided, single submitter. Criteria: Invitae Variant Classification Sherloc (09022015). Collection method: clinical testing. Allele origin: germline.
Comment: This variant results in the deletion of part of exon 16 (c.2435-1_2435del) of the CBL gene. It affects a nucleotide within the consensus splice site. This variant is present in population databases (rs749424087, gnomAD 0.01%). This variant has not been reported in the literature in individuals affected with CBL-related conditions. ClinVar contains an entry for this variant (Variation ID: 1494351). Variants that disrupt the consensus splice site are a relatively common cause of aberrant splicing (PMID: 17576681, 9536098). Algorithms developed to predict the effect of sequence changes on RNA splicing suggest that this variant may disrupt the consensus splice site. In summary, the available evidence is currently insufficient to determine the role of this variant in disease. Therefore, it has been classified as a Variant of Uncertain Significance.

Fulgent Genetics
Classification: Uncertain significance for Juvenile myelomonocytic leukemia; CBL-related disorder. Last evaluated: 2022-05-04. Review status: criteria provided, single submitter. Criteria: ACMG Guidelines, 2015. Collection method: clinical testing. Allele origin: unknown.

Literature cited by the submitters: PubMed 17576681 (cited by Labcorp Genetics (formerly Invitae), Labcorp); PubMed 9536098 (cited by Labcorp Genetics (formerly Invitae), Labcorp).